The following is an entry in ClinVar:

ClinVar aggregate classification (germline): Uncertain significance (1 of 4 stars; one submission).

Submission:

Women's Health and Genetics/Laboratory Corporation of America, LabCorp
Classification: Uncertain significance. Last evaluated: 2026-05-29. Review status: criteria provided, single submitter. Criteria: LabCorp Variant Classification Summary - May 2015. Collection method: clinical testing. Allele origin: germline.
Comment: Variant summary: CEP104 c.686_687delinsAA (p.Arg229Gln) results in a conservative amino acid change in the encoded protein sequence. Algorithms developed to predict the effect of missense changes on protein structure and function are either unavailable or do not agree on the potential impact of this missense change. The variant was absent in 251246 control chromosomes. The available data on variant occurrences in the general population are insufficient to allow any conclusion about variant significance. To our knowledge, no occurrence of c.686_687delinsAA in individuals affected with CEP104-related conditions and no experimental evidence demonstrating its impact on protein function have been reported. No submitters have cited clinical-significance assessments for this variant to ClinVar. Based on the evidence outlined above, the variant was classified as uncertain significance.

NM_014704.4(CEP104):c.686_687delinsAA (p.Arg229Gln)

Gene: CEP104 (centrosomal protein 104; minus strand). Cytogenetic location: 1p36.32.
Variant type: Indel.
Coding change: c.686_687delinsAA on transcript NM_014704.4 (MANE Select); coding-DNA positions 686 to 687, GC replaced by AA.
Protein change: p.Arg229Gln; replaces arginine 229 with glutamine.
Molecular consequence: missense variant.
Genome position (GRCh38, 1-based): chr1:3,839,656-3,839,657, GC replaced by TT on the plus strand (GC replaced by AA on the coding strand, the reverse complement: CEP104 is on the minus strand). VCF-style: chr1-3839656-GC-TT. GRCh37 (hg19) VCF-style: chr1-3756220-GC-TT.
Other names: short protein forms R229Q.
Identifiers: ClinVar variation 4853044 (VCV004853044.1).